The following is an entry in ClinVar:

NM_001385079.1(PDE10A):c.2146A>G (p.Ile716Val)

Gene: PDE10A (phosphodiesterase 10A; minus strand). Cytogenetic location: 6q27.
Variant type: single nucleotide variant.
Coding change: c.2146A>G on transcript NM_001385079.1 (MANE Select); coding-DNA position 2146, A replaced by G.
Protein change: p.Ile716Val; replaces isoleucine 716 with valine.
Molecular consequence: missense variant.
Genome position (GRCh38, 1-based): chr6:165,396,390, T>C on the plus strand (A>G on the coding strand, the complement: PDE10A is on the minus strand). VCF-style: chr6-165396390-T-C. GRCh37 (hg19) VCF-style: chr6-165809879-T-C.
Other names: c.1348A>G, p.Ile450Val (NM_001130690.3); c.1318A>G, p.Ile440Val (NM_006661.4); short protein forms I450V, I716V, I440V.
Identifiers: ClinVar variation 2848290 (VCV002848290.3), dbSNP rs750241665, ClinGen allele CA366394936.

ClinVar aggregate classification (germline): Uncertain significance (1 of 4 stars; one submission).

Submission:

Labcorp Genetics (formerly Invitae), Labcorp
Classification: Uncertain significance. Last evaluated: 2023-03-21. Review status: criteria provided, single submitter. Criteria: Invitae Variant Classification Sherloc (09022015). Collection method: clinical testing. Allele origin: germline.
Comment: In summary, the available evidence is currently insufficient to determine the role of this variant in disease. Therefore, it has been classified as a Variant of Uncertain Significance. This sequence change replaces isoleucine, which is neutral and non-polar, with valine, which is neutral and non-polar, at codon 450 of the PDE10A protein (p.Ile450Val). This variant is not present in population databases (gnomAD no frequency). This variant has not been reported in the literature in individuals affected with PDE10A-related conditions. Advanced modeling of protein sequence and biophysical properties (such as structural, functional, and spatial information, amino acid conservation, physicochemical variation, residue mobility, and thermodynamic stability) performed at Invitae indicates that this missense variant is not expected to disrupt PDE10A protein function.